The following is an entry in ClinVar:

ClinVar aggregate classification (germline): Uncertain significance (1 of 4 stars; one submission).

gnomAD v4.1: 2 of 1,612,620 alleles (0.00012%); highest among the groups gnomAD compares: Non-Finnish European, 0.00017%; no homozygotes.

Submission:

Labcorp Genetics (formerly Invitae), Labcorp
Classification: Uncertain significance. Last evaluated: 2024-06-05. Review status: criteria provided, single submitter. Criteria: Invitae Variant Classification Sherloc (09022015). Collection method: clinical testing. Allele origin: germline.
Comment: This sequence change replaces valine, which is neutral and non-polar, with isoleucine, which is neutral and non-polar, at codon 82 of the P2RX2 protein (p.Val82Ile). This variant is not present in population databases (gnomAD no frequency). This variant has not been reported in the literature in individuals affected with P2RX2-related conditions. Advanced modeling of protein sequence and biophysical properties (such as structural, functional, and spatial information, amino acid conservation, physicochemical variation, residue mobility, and thermodynamic stability) performed at Invitae indicates that this missense variant is not expected to disrupt P2RX2 protein function with a negative predictive value of 80%. In summary, the available evidence is currently insufficient to determine the role of this variant in disease. Therefore, it has been classified as a Variant of Uncertain Significance.

NM_170682.4(P2RX2):c.244G>A (p.Val82Ile)

Gene: P2RX2 (purinergic receptor P2X 2; plus strand). Cytogenetic location: 12q24.33.
Variant type: single nucleotide variant.
Coding change: c.244G>A on transcript NM_170682.4 (MANE Select); coding-DNA position 244, G replaced by A.
Protein change: p.Val82Ile; replaces valine 82 with isoleucine.
Molecular consequence: missense variant. On other transcripts: intron variant (1).
Genome position (GRCh38, 1-based): chr12:132,619,509, G>A. VCF-style: chr12-132619509-G-A. GRCh37 (hg19) VCF-style: chr12-133196095-G-A.
Other names: c.244G>A, p.Val82Ile (NM_001282164.2, NM_001282165.2, NM_016318.4 and 2 more transcripts); c.176G>A, p.Gly59Asp (NM_012226.5); c.106-335G>A (NM_174872.3); short protein forms V82I, G59D.
Identifiers: ClinVar variation 3686267 (VCV003686267.2).